The following is an entry in ClinVar:

ClinVar aggregate classification (germline): Likely benign (1 of 4 stars; one submission).

Submission:

CeGaT Center for Human Genetics Tuebingen
Classification: Likely benign. Last evaluated: 2022-06-01. Review status: criteria provided, single submitter. Criteria: CeGaT Center For Human Genetics Tuebingen Variant Classification Criteria Version 2. Collection method: clinical testing. Allele origin: germline. Affected: yes. Observed: 1 variant allele.
Comment: FMN2: BP4, BP7

NM_020066.5(FMN2):c.2778A>T (p.Leu926=)

Gene: FMN2 (formin 2; plus strand). Cytogenetic location: 1q43.
Variant type: single nucleotide variant.
Coding change: c.2778A>T on transcript NM_020066.5 (MANE Select); coding-DNA position 2778, A replaced by T.
Protein change: p.Leu926=; no amino-acid change (leucine 926 retained).
Molecular consequence: synonymous variant. On other transcripts: intron variant (1).
Genome position (GRCh38, 1-based): chr1:240,207,590, A>T. VCF-style: chr1-240207590-A-T. GRCh37 (hg19) VCF-style: chr1-240370890-A-T.
Other names: c.2790A>T, p.Leu930= (NM_001305424.2); c.1986+19328A>T (NM_001348094.2).
Identifiers: ClinVar variation 2640134 (VCV002640134.24), dbSNP rs749621973, ClinGen allele CA1476736.